The following is an entry in ClinVar:

ClinVar aggregate classification (germline): Conflicting classifications of pathogenicity. Review status: criteria provided, conflicting classifications (1 of 4 stars). 2 submissions from 2 submitters: Uncertain significance (1); Likely benign (1). Last evaluated 2024-05-20.

Conditions:
Hereditary breast ovarian cancer syndrome. Also called: BRCA1- and BRCA2-Associated Hereditary Breast and Ovarian Cancer; Hereditary breast and ovarian cancer syndrome (HBOC); Hereditary breast and/or ovarian cancer syndrome; Hereditary breast and ovarian cancer; Breast and ovarian cancer; Hereditary breast and ovarian cancer syndrome. Identifiers: Orphanet 145, MedGen C0677776, MeSH D061325, MONDO:0003582. Disease mechanism: loss of function.
Hereditary cancer-predisposing syndrome. Also called: Hereditary neoplastic syndrome; Hereditary Cancer Syndrome; Tumor predisposition; Neoplastic Syndromes, Hereditary. Identifiers: Orphanet 140162, MedGen C0027672, MeSH D009386, MONDO:0015356.

Submissions (2):

Labcorp Genetics (formerly Invitae), Labcorp
Classification: Uncertain significance for Hereditary breast ovarian cancer syndrome. Last evaluated: 2024-05-20. Review status: criteria provided, single submitter. Criteria: Invitae Variant Classification Sherloc (09022015). Collection method: clinical testing. Allele origin: germline.
Comment: This sequence change replaces serine, which is neutral and polar, with leucine, which is neutral and non-polar, at codon 1917 of the BRCA2 protein (p.Ser1917Leu). This variant is not present in population databases (gnomAD no frequency). This variant has not been reported in the literature in individuals affected with BRCA2-related conditions. ClinVar contains an entry for this variant (Variation ID: 2004657). Advanced modeling of protein sequence and biophysical properties (such as structural, functional, and spatial information, amino acid conservation, physicochemical variation, residue mobility, and thermodynamic stability) performed at Invitae indicates that this missense variant is not expected to disrupt BRCA2 protein function with a negative predictive value of 95%. In summary, the available evidence is currently insufficient to determine the role of this variant in disease. Therefore, it has been classified as a Variant of Uncertain Significance.

University of Washington Department of Laboratory Medicine, University of Washington
Classification: Likely benign for Hereditary cancer-predisposing syndrome. Last evaluated: 2023-03-23. Review status: criteria provided, single submitter. Criteria: Dines et al. (Genet Med. 2020). Collection method: curation. Allele origin: germline.
Comment: Missense variant in a coldspot region where missense variants are very unlikely to be pathogenic (PMID:31911673).

BRCA2 exon 11 coldspot. Reclassification based on statistical prior probability.

NM_000059.4(BRCA2):c.5750C>T (p.Ser1917Leu)

Gene: BRCA2 (BRCA2 DNA repair associated; plus strand). Cytogenetic location: 13q13.1.
Variant type: single nucleotide variant.
Coding change: c.5750C>T on transcript NM_000059.4 (MANE Select); coding-DNA position 5750, C replaced by T.
Protein change: p.Ser1917Leu; replaces serine 1917 with leucine.
Molecular consequence: missense variant.
Genome position (GRCh38, 1-based): chr13:32,340,105, C>T. VCF-style: chr13-32340105-C-T. GRCh37 (hg19) VCF-style: chr13-32914242-C-T.
Other names: c.5750C>T, p.Ser1917Leu (NM_001406719.1, NM_001406720.1); short protein forms S1917L.
Identifiers: ClinVar variation 2004657 (VCV002004657.6), dbSNP rs886040609, ClinGen allele CA387787014.